The following is an entry in ClinVar:

NM_006554.5(MTX2):c.672C>G (p.Thr224=)

Gene: MTX2 (metaxin 2; plus strand). Cytogenetic location: 2q31.1.
Variant type: single nucleotide variant.
Coding change: c.672C>G on transcript NM_006554.5 (MANE Select); coding-DNA position 672, C replaced by G.
Protein change: p.Thr224=; no amino-acid change (threonine 224 retained).
Molecular consequence: synonymous variant. On other transcripts: 3 prime UTR variant (1).
Genome position (GRCh38, 1-based): chr2:176,337,544, C>G. VCF-style: chr2-176337544-C-G. GRCh37 (hg19) VCF-style: chr2-177202272-C-G.
Other names: c.642C>G, p.Thr214= (NM_001006635.3); c.603C>G, p.Thr201= (NM_001319097.2); c.*43C>G (NM_001319098.2).
Identifiers: ClinVar variation 5041022 (VCV005041022.1).

ClinVar aggregate classification (germline): Likely benign (1 of 4 stars; one submission).

gnomAD v4.1: 213 of 1,613,054 alleles (0.013%); highest among the groups gnomAD compares: Middle Eastern, 0.099%; no homozygotes.

Submission:

CeGaT Center for Human Genetics Tuebingen
Classification: Likely benign. Last evaluated: 2026-09-01. Review status: criteria provided, single submitter. Criteria: CeGaT Center For Human Genetics Tuebingen Variant Classification Criteria Version 2. Collection method: clinical testing. Allele origin: germline. Affected: yes. Observed: 1 variant allele.
Comment: MTX2: BP4, BP7